The following is an entry in ClinVar:

ClinVar aggregate classification (germline): Uncertain significance. Review status: criteria provided, multiple submitters, no conflicts (2 of 4 stars). 2 submissions from 2 submitters: Uncertain significance (2). Last evaluated 2026-02-24.

Conditions:
Inborn genetic diseases. Identifiers: MedGen C0950123, MeSH D030342.
Charcot-Marie-Tooth disease axonal type 2F (CMT2F). Also called: Charcot-Marie-Tooth Neuropathy Type 2F; CHARCOT-MARIE-TOOTH DISEASE, NEURONAL, TYPE 2F. Identifiers: Orphanet 99940, MedGen C1847823, MONDO:0011687, OMIM 606595.

Allele frequency attached by ClinVar (database versions not stated): gnomAD exomes below 0.00001; TOPMed below 0.00001.

Submissions (2):

Ambry Genetics
Classification: Uncertain significance for Inborn genetic diseases. Last evaluated: 2026-02-24. Review status: criteria provided, single submitter. Criteria: Ambry Variant Classification Scheme 2023. Collection method: clinical testing. Allele origin: germline.

Labcorp Genetics (formerly Invitae), Labcorp
Classification: Uncertain significance for Charcot-Marie-Tooth disease axonal type 2F. Last evaluated: 2023-06-03. Review status: criteria provided, single submitter. Criteria: Invitae Variant Classification Sherloc (09022015). Collection method: clinical testing. Allele origin: germline.
Comment: This sequence change replaces leucine, which is neutral and non-polar, with methionine, which is neutral and non-polar, at codon 38 of the HSPB1 protein (p.Leu38Met). The frequency data for this variant in the population databases is considered unreliable, as metrics indicate poor data quality at this position in the gnomAD database. This variant has not been reported in the literature in individuals affected with HSPB1-related conditions. Advanced modeling of protein sequence and biophysical properties (such as structural, functional, and spatial information, amino acid conservation, physicochemical variation, residue mobility, and thermodynamic stability) has been performed at Invitae for this missense variant, however the output from this modeling did not meet the statistical confidence thresholds required to predict the impact of this variant on HSPB1 protein function. In summary, the available evidence is currently insufficient to determine the role of this variant in disease. Therefore, it has been classified as a Variant of Uncertain Significance.

NM_001540.5(HSPB1):c.112C>A (p.Leu38Met)

Gene: HSPB1 (heat shock protein family B (small) member 1; plus strand). Cytogenetic location: 7q11.23.
Variant type: single nucleotide variant.
Coding change: c.112C>A on transcript NM_001540.5 (MANE Select); coding-DNA position 112, C replaced by A.
Protein change: p.Leu38Met; replaces leucine 38 with methionine.
Molecular consequence: missense variant.
Genome position (GRCh38, 1-based): chr7:76,302,824, C>A. VCF-style: chr7-76302824-C-A. GRCh37 (hg19) VCF-style: chr7-75932141-C-A.
Other names: short protein forms L38M.
Identifiers: ClinVar variation 2896217 (VCV002896217.4), dbSNP rs1439664934, ClinGen allele CA367762925.